The following is an entry in ClinVar:

NM_000264.5(PTCH1):c.3298G>A (p.Val1100Ile)

Gene: PTCH1 (patched 1; minus strand). Cytogenetic location: 9q22.32.
Variant type: single nucleotide variant.
Coding change: c.3298G>A on transcript NM_000264.5 (MANE Select); coding-DNA position 3298, G replaced by A.
Protein change: p.Val1100Ile; replaces valine 1100 with isoleucine.
Molecular consequence: missense variant. On other transcripts: non-coding transcript variant (1).
Genome position (GRCh38, 1-based): chr9:95,456,284, C>T on the plus strand (G>A on the coding strand, the complement: PTCH1 is on the minus strand). VCF-style: chr9-95456284-C-T. GRCh37 (hg19) VCF-style: chr9-98218566-C-T.
Other names: c.3100G>A, p.Val1034Ile (NM_001083602.3); c.3295G>A, p.Val1099Ile (NM_001083603.3); c.2845G>A, p.Val949Ile (NM_001083604.3, NM_001083605.3, NM_001083606.3 and 1 more transcripts); c.3142G>A, p.Val1048Ile (NM_001354918.2); c.3298G>A (NM_000264.4); short protein forms V1034I, V1100I, V1048I, V1099I, V949I.
Identifiers: ClinVar variation 409202 (VCV000409202.24), dbSNP rs577110118, ClinGen allele CA5138190.

ClinVar aggregate classification (germline): Conflicting classifications of pathogenicity. Review status: criteria provided, conflicting classifications (1 of 4 stars). 5 submissions from 5 submitters: Uncertain significance (3); Benign (1); Likely benign (1). Last evaluated 2026-01-02.

Conditions:
Hereditary cancer-predisposing syndrome. Also called: Neoplastic Syndromes, Hereditary; Tumor predisposition; Hereditary Cancer Syndrome; Hereditary neoplastic syndrome. Identifiers: Orphanet 140162, MedGen C0027672, MeSH D009386, MONDO:0015356.
Gorlin syndrome. Also called: Nevoid Basal Cell Carcinoma Syndrome; Basal cell nevus syndrome. Identifiers: Orphanet 377, MedGen C0004779, MONDO:0007187.
PTCH1-related disorder. Also called: PTCH1-related disorders; PTCH1-related condition.

Allele frequency attached by ClinVar (database versions not stated): gnomAD 0.00001; gnomAD exomes 0.00002; ExAC 0.00003; 1000 Genomes Project 30x 0.00016; 1000 Genomes Project 0.00020.
gnomAD v4.1: 24 of 1,613,814 alleles (0.0015%); highest among the groups gnomAD compares: Admixed American, 0.005%; no homozygotes.

Submissions (5):

Labcorp Genetics (formerly Invitae), Labcorp
Classification: Likely benign for Gorlin syndrome. Last evaluated: 2026-01-02. Review status: criteria provided, single submitter. Criteria: Invitae Variant Classification Sherloc (09022015). Collection method: clinical testing. Allele origin: germline.

Ambry Genetics
Classification: Benign for Hereditary cancer-predisposing syndrome. Last evaluated: 2025-09-08. Review status: criteria provided, single submitter. Criteria: Ambry Variant Classification Scheme 2023. Collection method: clinical testing. Allele origin: germline.

Quest Diagnostics Nichols Institute San Juan Capistrano
Classification: Uncertain significance. Last evaluated: 2025-01-08. Review status: criteria provided, single submitter. Criteria: Quest Diagnostics criteria. Collection method: clinical testing. Allele origin: unknown.
Comment: The PTCH1 c.3298G>A (p.Val1100Ile) variant has not been reported in individuals with PTCH1-related conditions in the published literature. The frequency of this variant in the general population (Genome Aggregation Database) is uninformative in the assessment of its pathogenicity. Analysis of this variant using bioinformatics tools for the prediction of the effect of amino acid changes on protein structure and function yielded predictions that this variant is benign. Based on the available information, we are unable to determine the clinical significance of this variant.

PreventionGenetics, part of Exact Sciences
Classification: Uncertain significance for PTCH1-related condition. Last evaluated: 2024-11-21. Review status: criteria provided, single submitter. Criteria: ACMG Guidelines, 2015. Collection method: clinical testing. Allele origin: germline.
Comment: The PTCH1 c.3298G>A variant is predicted to result in the amino acid substitution p.Val1100Ile. To our knowledge, this variant has not been reported in the literature. This variant is reported in 0.0044% of alleles in individuals of European (Non-Finnish) descent in gnomAD and has conflicting interpretations in ClinVar ranging from uncertain to likely benign. At this time, the clinical significance of this variant is uncertain due to the absence of conclusive functional and genetic evidence.

Sema4
Classification: Uncertain significance for Hereditary cancer-predisposing syndrome. Last evaluated: 2021-05-20. Review status: criteria provided, single submitter. Criteria: Sema4 Curation Guidelines. Collection method: curation. Allele origin: germline.
Comment: The PTCH1 c.3298G>A (p.V1100I) variant has not been reported in the literature to our knowledge. It was observed in 5/113746 chromosomes of the Non-Finnish European subpopulation in the large and broad cohorts of the Genome Aggregation Database (PMID: 32461654). The variant has been reported in ClinVar (Variation ID: 409202). In silico tools suggest the impact of the variant on protein function is inconclusive, though these predictions have not been confirmed by functional studies. The evidence is insufficient to meet ACMG/AMP criteria for classifying the variant as benign or pathogenic. Thus, the clinical significance of this variant is currently uncertain.